The following is an entry in ClinVar:

ClinVar aggregate classification (germline): Uncertain significance (1 of 4 stars; one submission).

Conditions:
ADCY3-related disorder. Also called: ADCY3-related condition.

Submission:

PreventionGenetics, part of Exact Sciences
Classification: Uncertain significance for ADCY3-related condition. Last evaluated: 2024-11-15. Review status: criteria provided, single submitter. Criteria: ACMG Guidelines, 2015. Collection method: clinical testing. Allele origin: germline.
Comment: The ADCY3 c.575T>A variant is predicted to result in the amino acid substitution p.Ile192Asn. To our knowledge, this variant has not been reported in the literature or in a large population database (gnomAD), indicating this variant is rare. At this time, the clinical significance of this variant is uncertain due to the absence of conclusive functional and genetic evidence.

NM_004036.5(ADCY3):c.575T>A (p.Ile192Asn)

Gene: ADCY3 (adenylate cyclase 3; minus strand). Cytogenetic location: 2p23.3.
Variant type: single nucleotide variant.
Coding change: c.575T>A on transcript NM_004036.5 (MANE Select); coding-DNA position 575, T replaced by A.
Protein change: p.Ile192Asn; replaces isoleucine 192 with asparagine.
Molecular consequence: missense variant.
Genome position (GRCh38, 1-based): chr2:24,918,413, A>T on the plus strand (T>A on the coding strand, the complement: ADCY3 is on the minus strand). VCF-style: chr2-24918413-A-T. GRCh37 (hg19) VCF-style: chr2-25141282-A-T.
Other names: c.575T>A, p.Ile192Asn (NM_001320613.2, NM_001377128.1, NM_001377129.1 and 2 more transcripts); short protein forms I192N.
Identifiers: ClinVar variation 4996864 (VCV004996864.1).